The following is an entry in ClinVar:

ClinVar aggregate classification (germline): Uncertain significance. Review status: criteria provided, multiple submitters, no conflicts (2 of 4 stars). 2 submissions from 2 submitters: Uncertain significance (2). Last evaluated 2023-05-18.

Conditions:
Neuroblastoma, susceptibility to, 3. Also called: ALK-Related Neuroblastic Tumor Susceptibility. Identifiers: Orphanet 635, MedGen C2751681, MONDO:0013083, OMIM 613014.
Hereditary cancer-predisposing syndrome. Also called: Hereditary neoplastic syndrome; Tumor predisposition; Neoplastic Syndromes, Hereditary; Hereditary Cancer Syndrome. Identifiers: Orphanet 140162, MedGen C0027672, MeSH D009386, MONDO:0015356.

Submissions (2):

Ambry Genetics
Classification: Uncertain significance for Hereditary cancer-predisposing syndrome. Last evaluated: 2023-05-18. Review status: criteria provided, single submitter. Criteria: Ambry Variant Classification Scheme 2023. Collection method: clinical testing. Allele origin: germline.
Comment: The p.P696T variant (also known as c.2086C>A), located in coding exon 12 of the ALK gene, results from a C to A substitution at nucleotide position 2086. The proline at codon 696 is replaced by threonine, an amino acid with highly similar properties. This amino acid position is conserved. In addition, this alteration is predicted to be deleterious by in silico analysis. Since supporting evidence is limited at this time, the clinical significance of this alteration remains unclear.

Labcorp Genetics (formerly Invitae), Labcorp
Classification: Uncertain significance for Neuroblastoma, susceptibility to, 3. Last evaluated: 2019-07-19. Review status: criteria provided, single submitter. Criteria: Invitae Variant Classification Sherloc (09022015). Collection method: clinical testing. Allele origin: germline.
Comment: In summary, the available evidence is currently insufficient to determine the role of this variant in disease. Therefore, it has been classified as a Variant of Uncertain Significance. Algorithms developed to predict the effect of missense changes on protein structure and function (SIFT, PolyPhen-2, Align-GVGD) all suggest that this variant is likely to be disruptive, but these predictions have not been confirmed by published functional studies and their clinical significance is uncertain. This variant has not been reported in the literature in individuals with ALK-related conditions. This variant is not present in population databases (ExAC no frequency). This sequence change replaces proline with threonine at codon 696 of the ALK protein (p.Pro696Thr). The proline residue is highly conserved and there is a small physicochemical difference between proline and threonine.

NM_004304.5(ALK):c.2086C>A (p.Pro696Thr)

Gene: ALK (ALK receptor tyrosine kinase; minus strand). Cytogenetic location: 2p23.2.
Variant type: single nucleotide variant.
Coding change: c.2086C>A on transcript NM_004304.5 (MANE Select); coding-DNA position 2086, C replaced by A.
Protein change: p.Pro696Thr; replaces proline 696 with threonine.
Molecular consequence: missense variant.
Genome position (GRCh38, 1-based): chr2:29,251,223, G>T on the plus strand (C>A on the coding strand, the complement: ALK is on the minus strand). VCF-style: chr2-29251223-G-T. GRCh37 (hg19) VCF-style: chr2-29474089-G-T.
Other names: short protein forms P696T.
Identifiers: ClinVar variation 954045 (VCV000954045.11), dbSNP rs1664808733, ClinGen allele CA346477108.